The following is an entry in ClinVar:

ClinVar aggregate classification (germline): Pathogenic (1 of 4 stars; one submission).

Submission:

Labcorp Genetics (formerly Invitae), Labcorp
Classification: Pathogenic. Last evaluated: 2024-08-05. Review status: criteria provided, single submitter. Criteria: Invitae Variant Classification Sherloc (09022015). Collection method: clinical testing. Allele origin: germline.
Comment: This sequence change creates a premature translational stop signal (p.Leu80Trpfs*3) in the NDUFV2 gene. It is expected to result in an absent or disrupted protein product. Loss-of-function variants in NDUFV2 are known to be pathogenic (PMID: 12754703, 26008862). This variant is not present in population databases (gnomAD no frequency). This variant has not been reported in the literature in individuals affected with NDUFV2-related conditions. ClinVar contains an entry for this variant (Variation ID: 1457142). For these reasons, this variant has been classified as Pathogenic.

Literature cited by the submitters: PubMed 12754703; PubMed 26008862.

NM_021074.5(NDUFV2):c.237_246del (p.Leu80fs)

Gene: NDUFV2 (NADH:ubiquinone oxidoreductase core subunit V2; plus strand). Cytogenetic location: 18p11.22.
Variant type: Deletion.
Coding change: c.237_246del on transcript NM_021074.5 (MANE Select); coding-DNA positions 237 to 246, 10 bases deleted (TCTTCCAGTC; older notation c.237_246delTCTTCCAGTC).
Protein change: p.Leu80fs; shifts the reading frame from leucine 80.
Molecular consequence: frameshift variant.
Genome position (GRCh38, 1-based): chr18:9,119,527-9,119,536, TCTTCCAGTC deleted. VCF-style (leftmost placement, unchanged base first): chr18-9119526-TTCTTCCAGTC-T. GRCh37 (hg19) VCF-style: chr18-9119524-TTCTTCCAGTC-T.
Other names: short protein forms L80fs.
Identifiers: ClinVar variation 1457142 (VCV001457142.6), dbSNP rs2144742205, ClinGen allele CA2573155106.
Genomic context (GRCh38, chr18:9,119,526, plus strand): 5'-TTATACAGAGGATAGAGGCAATTGTAAAAAACTATCCAGAAGGCCATAAAGCAGCAGCTG[TTCTTCCAGTC>T]CTGGATTTAGCCCAAAGGCAGAATGGGTGGTTGCCCATCTCTGCTATGAACAAGGTACTG-3'